The following is an entry in ClinVar:

ClinVar aggregate classification (germline): Likely pathogenic (1 of 4 stars; one submission).

Conditions:
Long QT syndrome (LQTS). Identifiers: MedGen C0023976, MeSH D008133, MONDO:0002442. Disease mechanism: loss of function. Inheritance: Various modes of inheritance.

Submission:

Labcorp Genetics (formerly Invitae), Labcorp
Classification: Likely pathogenic for Long QT syndrome. Last evaluated: 2020-02-05. Review status: criteria provided, single submitter. Criteria: Invitae Variant Classification Sherloc (09022015). Collection method: clinical testing. Allele origin: germline.
Comment: Donor and acceptor splice site variants typically lead to a loss of protein function (PMID: 16199547), and loss-of-function variants in KCNH2 are known to be pathogenic (PMID: 10973849, 19862833). This variant has not been reported in the literature in individuals with KCNH2-related conditions. Algorithms developed to predict the effect of sequence changes on RNA splicing suggest that this variant may disrupt the consensus splice site, but this prediction has not been confirmed by published transcriptional studies. This variant is not present in population databases (ExAC no frequency). In summary, the currently available evidence indicates that the variant is pathogenic, but additional data are needed to prove that conclusively. Therefore, this variant has been classified as Likely Pathogenic. This sequence change affects a donor splice site in intron 1 of the KCNH2 gene. It is expected to disrupt RNA splicing and likely results in an absent or disrupted protein product.

Literature cited by the submitters: PubMed 16199547; PubMed 10973849; PubMed 19862833.

NM_000238.4(KCNH2):c.76+1G>A

Gene: KCNH2 (potassium voltage-gated channel subfamily H member 2; minus strand). Cytogenetic location: 7q36.1.
Variant type: single nucleotide variant.
Coding change: c.76+1G>A on transcript NM_000238.4 (MANE Select); the canonical splice donor site of the intron after coding-DNA position 76, G replaced by A.
Molecular consequence: splice donor variant.
Genome position (GRCh38, 1-based): chr7:150,977,837, C>T on the plus strand (G>A on the coding strand, the complement: KCNH2 is on the minus strand). VCF-style: chr7-150977837-C-T. GRCh37 (hg19) VCF-style: chr7-150674925-C-T.
Other names: c.76+1G>A (NM_172056.3).
Identifiers: ClinVar variation 1066606 (VCV001066606.15), dbSNP rs2117072529, ClinGen allele CA369866592.